The following is an entry in ClinVar:

NM_001042492.3(NF1):c.266C>A (p.Thr89Lys)

Gene: NF1 (neurofibromin 1; plus strand). Cytogenetic location: 17q11.2.
Variant type: single nucleotide variant.
Coding change: c.266C>A on transcript NM_001042492.3 (MANE Select); coding-DNA position 266, C replaced by A.
Protein change: p.Thr89Lys; replaces threonine 89 with lysine.
Molecular consequence: missense variant.
Genome position (GRCh38, 1-based): chr17:31,159,071, C>A. VCF-style: chr17-31159071-C-A. GRCh37 (hg19) VCF-style: chr17-29486089-C-A.
Other names: c.266C>A, p.Thr89Lys (NM_000267.4, NM_001128147.3); short protein forms T89K.
Identifiers: ClinVar variation 547565 (VCV000547565.21), dbSNP rs1555605392, ClinGen allele CA398989760.

ClinVar aggregate classification (germline): Uncertain significance. Review status: criteria provided, multiple submitters, no conflicts (2 of 4 stars). 5 submissions from 5 submitters: Uncertain significance (5). Last evaluated 2025-05-01.

Conditions:
Neurofibromatosis, type 1 (NF1). Also called: VON RECKLINGHAUSEN DISEASE; NEUROFIBROMATOSIS, TYPE I, SOMATIC; Peripheral type neurofibromatosis; Neurofibromatosis, type I. Identifiers: Orphanet 636, MedGen C0027831, MONDO:0018975, OMIM 162200. Disease mechanism: loss of function.
Cardiovascular phenotype. Identifiers: MedGen CN230736.
Hereditary cancer-predisposing syndrome. Also called: Hereditary Cancer Syndrome; Tumor predisposition; Neoplastic Syndromes, Hereditary; Hereditary neoplastic syndrome. Identifiers: Orphanet 140162, MedGen C0027672, MeSH D009386, MONDO:0015356.

Submissions (5):

CeGaT Center for Human Genetics Tuebingen
Classification: Uncertain significance. Last evaluated: 2025-05-01. Review status: criteria provided, single submitter. Criteria: CeGaT Center For Human Genetics Tuebingen Variant Classification Criteria Version 2. Collection method: clinical testing. Allele origin: germline. Affected: yes. Observed: 1 variant allele.
Comment: NF1: PM1, PM2, PP3

Labcorp Genetics (formerly Invitae), Labcorp
Classification: Uncertain significance for Neurofibromatosis, type 1. Last evaluated: 2023-12-11. Review status: criteria provided, single submitter. Criteria: Invitae Variant Classification Sherloc (09022015). Collection method: clinical testing. Allele origin: germline.
Comment: This sequence change replaces threonine, which is neutral and polar, with lysine, which is basic and polar, at codon 89 of the NF1 protein (p.Thr89Lys). This variant is not present in population databases (gnomAD no frequency). This variant has not been reported in the literature in individuals affected with NF1-related conditions. ClinVar contains an entry for this variant (Variation ID: 547565). Advanced modeling of protein sequence and biophysical properties (such as structural, functional, and spatial information, amino acid conservation, physicochemical variation, residue mobility, and thermodynamic stability) performed at Invitae indicates that this missense variant is expected to disrupt NF1 protein function with a positive predictive value of 95%. In summary, the available evidence is currently insufficient to determine the role of this variant in disease. Therefore, it has been classified as a Variant of Uncertain Significance.

Ambry Genetics
Classification: Uncertain significance for Cardiovascular phenotype; Hereditary cancer-predisposing syndrome. Last evaluated: 2022-10-31. Review status: criteria provided, single submitter. Criteria: Ambry Variant Classification Scheme 2023. Collection method: clinical testing. Allele origin: germline.
Comment: The p.T89K variant (also known as c.266C>A), located in coding exon 3 of the NF1 gene, results from a C to A substitution at nucleotide position 266. The threonine at codon 89 is replaced by lysine, an amino acid with similar properties. This amino acid position is highly conserved in available vertebrate species. In addition, this alteration is predicted to be deleterious by in silico analysis. Since supporting evidence is limited at this time, the clinical significance of this alteration remains unclear.

Genome-Nilou Lab
Classification: Uncertain significance for Neurofibromatosis, type 1. Last evaluated: 2022-03-15. Review status: criteria provided, single submitter. Criteria: ACMG Guidelines, 2015. Collection method: clinical testing. Allele origin: germline. Affected: no.

Center for Human Genetics, Inc
Classification: Uncertain significance for Neurofibromatosis, type 1. Last evaluated: 2016-11-01. Review status: criteria provided, single submitter. Criteria: ACMG Guidelines, 2015. Collection method: clinical testing. Allele origin: germline. Affected: yes.